The following is an entry in ClinVar:

NM_007198.4(PLPBP):c.749G>A (p.Arg250Gln)

Gene: PLPBP (pyridoxal phosphate binding protein; plus strand). Cytogenetic location: 8p11.23.
Variant type: single nucleotide variant.
Coding change: c.749G>A on transcript NM_007198.4 (MANE Select); coding-DNA position 749, G replaced by A.
Protein change: p.Arg250Gln; replaces arginine 250 with glutamine.
Molecular consequence: missense variant.
Genome position (GRCh38, 1-based): chr8:37,778,025, G>A. VCF-style: chr8-37778025-G-A. GRCh37 (hg19) VCF-style: chr8-37635543-G-A.
Other names: c.779G>A, p.Arg260Gln (NM_001349346.2); c.743G>A, p.Arg248Gln (NM_001349347.2); c.593G>A, p.Arg198Gln (NM_001349348.2); c.749G>A (NM_007198.3); short protein forms R260Q, R198Q, R250Q, R248Q.
Identifiers: ClinVar variation 2187432 (VCV002187432.3), dbSNP rs1304784885, ClinGen allele CA370668953.

ClinVar aggregate classification (germline): Uncertain significance. Review status: criteria provided, multiple submitters, no conflicts (2 of 4 stars). 2 submissions from 2 submitters: Uncertain significance (2). Last evaluated 2024-12-04.

Conditions:
Inborn genetic diseases. Identifiers: MedGen C0950123, MeSH D030342.

Allele frequency attached by ClinVar (database versions not stated): gnomAD exomes below 0.00001; TOPMed 0.00002; gnomAD 0.00004.

Submissions (2):

Ambry Genetics
Classification: Uncertain significance for Inborn genetic diseases. Last evaluated: 2024-12-04. Review status: criteria provided, single submitter. Criteria: Ambry Variant Classification Scheme 2023. Collection method: clinical testing. Allele origin: germline.

Labcorp Genetics (formerly Invitae), Labcorp
Classification: Uncertain significance. Last evaluated: 2022-03-13. Review status: criteria provided, single submitter. Criteria: Invitae Variant Classification Sherloc (09022015). Collection method: clinical testing. Allele origin: germline.
Comment: In summary, the available evidence is currently insufficient to determine the role of this variant in disease. Therefore, it has been classified as a Variant of Uncertain Significance. Algorithms developed to predict the effect of missense changes on protein structure and function (SIFT, PolyPhen-2, Align-GVGD) all suggest that this variant is likely to be disruptive. This variant has not been reported in the literature in individuals affected with PROSC-related conditions. This variant is present in population databases (no rsID available, gnomAD 0.008%). This sequence change replaces arginine, which is basic and polar, with glutamine, which is neutral and polar, at codon 250 of the PROSC protein (p.Arg250Gln).